The following is an entry in ClinVar:

ClinVar aggregate classification (germline): Uncertain significance (1 of 4 stars; one submission).

Conditions:
Joubert syndrome 21 (JBTS21). Identifiers: MedGen C3810212, MONDO:0014288, OMIM 615636.

Submission:

Labcorp Genetics (formerly Invitae), Labcorp
Classification: Uncertain significance for Joubert syndrome 21. Last evaluated: 2024-07-10. Review status: criteria provided, single submitter. Criteria: Invitae Variant Classification Sherloc (09022015). Collection method: clinical testing. Allele origin: germline.
Comment: This sequence change replaces methionine, which is neutral and non-polar, with valine, which is neutral and non-polar, at codon 441 of the CSPP1 protein (p.Met441Val). This variant is not present in population databases (gnomAD no frequency). This variant has not been reported in the literature in individuals affected with CSPP1-related conditions. ClinVar contains an entry for this variant (Variation ID: 1426558). An algorithm developed to predict the effect of missense changes on protein structure and function (PolyPhen-2) suggests that this variant is likely to be tolerated. In summary, the available evidence is currently insufficient to determine the role of this variant in disease. Therefore, it has been classified as a Variant of Uncertain Significance.

NM_001382391.1(CSPP1):c.1336A>G (p.Met446Val)

Gene: CSPP1 (centrosome and spindle pole associated protein 1; plus strand). Cytogenetic location: 8q13.2.
Variant type: single nucleotide variant.
Coding change: c.1336A>G on transcript NM_001382391.1 (MANE Select); coding-DNA position 1336, A replaced by G.
Protein change: p.Met446Val; replaces methionine 446 with valine.
Molecular consequence: missense variant.
Genome position (GRCh38, 1-based): chr8:67,115,962, A>G. VCF-style: chr8-67115962-A-G. GRCh37 (hg19) VCF-style: chr8-68028197-A-G.
Other names: c.439A>G, p.Met147Val (NM_001291339.2); c.1255A>G, p.Met419Val (NM_001363131.2); c.1294A>G, p.Met432Val (NM_001363132.2); c.1213A>G, p.Met405Val (NM_001363133.2); c.1402A>G, p.Met468Val (NM_001364869.1); c.1222A>G, p.Met408Val (NM_001364870.1); c.1321A>G, p.Met441Val (NM_024790.7); short protein forms M405V, M419V, M446V, M432V, M468V, M408V, M441V, M147V.
Identifiers: ClinVar variation 1426558 (VCV001426558.8), dbSNP rs2129550849, ClinGen allele CA371198320.